The following is an entry in ClinVar:

NM_017986.4(SLC52A1):c.1103del (p.Leu368fs)

Gene: SLC52A1 (solute carrier family 52 member 1; minus strand). Cytogenetic location: 17p13.2.
Variant type: Deletion.
Coding change: c.1103del on transcript NM_017986.4 (MANE Select); coding-DNA position 1103, one base deleted (T; older notation c.1103delT).
Protein change: p.Leu368fs; shifts the reading frame from leucine 368.
Molecular consequence: frameshift variant.
Genome position (GRCh38, 1-based): chr17:5,033,292, A deleted on the plus strand (T on the coding strand, the reverse complement: SLC52A1 is on the minus strand). VCF-style (leftmost placement, unchanged base first): chr17-5033291-CA-C. GRCh37 (hg19) VCF-style: chr17-4936586-CA-C.
Other names: c.1103del, p.Leu368fs (NM_001104577.2); short protein forms L368fs.
Identifiers: ClinVar variation 3005325 (VCV003005325.3), dbSNP rs2508253828, ClinGen allele CA2507950116.

ClinVar aggregate classification (germline): Uncertain significance (1 of 4 stars; one submission).

Conditions:
Vitamin B2 deficiency. Identifiers: MedGen C0035528.

Submission:

Labcorp Genetics (formerly Invitae), Labcorp
Classification: Uncertain significance for Vitamin B2 deficiency. Last evaluated: 2023-09-08. Review status: criteria provided, single submitter. Criteria: Invitae Variant Classification Sherloc (09022015). Collection method: clinical testing. Allele origin: germline.
Comment: In summary, the available evidence is currently insufficient to determine the role of this variant in disease. Therefore, it has been classified as a Variant of Uncertain Significance. Experimental studies and prediction algorithms are not available or were not evaluated, and the functional significance of this variant is currently unknown. This variant has not been reported in the literature in individuals affected with SLC52A1-related conditions. This variant is not present in population databases (gnomAD no frequency). This sequence change creates a premature translational stop signal (p.Leu368Argfs*25) in the SLC52A1 gene. While this is not anticipated to result in nonsense mediated decay, it is expected to disrupt the last 81 amino acid(s) of the SLC52A1 protein.